The following is an entry in ClinVar:

NM_006912.6(RIT1):c.130C>T (p.His44Tyr)

Gene: RIT1 (Ras like without CAAX 1; minus strand). Cytogenetic location: 1q22.
Variant type: single nucleotide variant.
Coding change: c.130C>T on transcript NM_006912.6 (MANE Select); coding-DNA position 130, C replaced by T.
Protein change: p.His44Tyr; replaces histidine 44 with tyrosine.
Molecular consequence: missense variant.
Genome position (GRCh38, 1-based): chr1:155,910,483, G>A on the plus strand (C>T on the coding strand, the complement: RIT1 is on the minus strand). VCF-style: chr1-155910483-G-A. GRCh37 (hg19) VCF-style: chr1-155880274-G-A.
Other names: c.22C>T, p.His8Tyr (NM_001256820.2); c.181C>T, p.His61Tyr (NM_001256821.2); short protein forms H44Y, H61Y, H8Y.
Identifiers: ClinVar variation 3392760 (VCV003392760.1).

ClinVar aggregate classification (germline): Uncertain significance (1 of 4 stars; one submission).

Submission:

GeneDx
Classification: Uncertain significance. Last evaluated: 2024-06-24. Review status: criteria provided, single submitter. Criteria: GeneDx Variant Classification Process June 2021. Collection method: clinical testing. Allele origin: germline. Affected: yes.
Comment: Not observed at significant frequency in large population cohorts (gnomAD); In silico analysis supports that this missense variant has a deleterious effect on protein structure/function; Has not been previously published as pathogenic or benign to our knowledge